The following is an entry in ClinVar:

ClinVar aggregate classification (germline): Pathogenic (1 of 4 stars; one submission).

Submission:

Labcorp Genetics (formerly Invitae), Labcorp
Classification: Pathogenic. Last evaluated: 2023-04-20. Review status: criteria provided, single submitter. Criteria: Invitae Variant Classification Sherloc (09022015). Collection method: clinical testing. Allele origin: unknown.
Comment: This variant results in the deletion of part of exon 5 (c.473-4138_534delins203) of the ANO10 gene. It is expected to disrupt RNA splicing. Variants that disrupt the donor or acceptor splice site typically lead to a loss of protein function (PMID: 16199547), and loss-of-function variants in ANO10 are known to be pathogenic (PMID: 25089919). This variant has not been reported in the literature in individuals affected with ANO10-related conditions. For these reasons, this variant has been classified as Pathogenic. This variant disrupts a region of the ANO10 protein in which other variant(s) (p.Phe171Ser) have been observed in individuals with ANO10-related conditions (PMID: 25089919, 34234304). This suggests that this is a clinically significant region of the protein, and that variants that disrupt it are likely to be disease-causing.

Literature cited by the submitters: PubMed 16199547; PubMed 25089919; PubMed 34234304.

NC_000003.11:g.(?_43621903)_(43626102_?)del

Gene: ANO10 (anoctamin 10; minus strand). Cytogenetic location: 3p22.1.
Variant type: Deletion.
Identifiers: ClinVar variation 3247034 (VCV003247034.1).